The following is an entry in ClinVar:

NM_015978.3(TNNI3K):c.2419A>G (p.Ile807Val)

Genes: FPGT-TNNI3K (FPGT-TNNI3K readthrough; plus strand), TNNI3K (TNNI3 interacting kinase; plus strand). Cytogenetic location: 1p31.1.
Variant type: single nucleotide variant.
Coding change: c.2419A>G on transcript NM_015978.3 (MANE Select); coding-DNA position 2419, A replaced by G.
Protein change: p.Ile807Val; replaces isoleucine 807 with valine.
Molecular consequence: missense variant.
Genome position (GRCh38, 1-based): chr1:74,540,301, A>G. VCF-style: chr1-74540301-A-G. GRCh37 (hg19) VCF-style: chr1-75005985-A-G.
Other names: c.2722A>G, p.Ile908Val (NM_001112808.3); short protein forms I908V, I807V.
Identifiers: ClinVar variation 1374559 (VCV001374559.6), dbSNP rs201192795, ClinGen allele CA24575313.
Genomic context (GRCh38, chr1:74,540,301, plus strand): 5'-CAATATTCCTCTCAAGGTCTGTCTTTGGAGGAGATGAAAAGAAGTCTTCAATACACACCC[A>G]TTGACAAATATGGTAAGTAGGCAGATTCTTTAGGTTTGTTAAGAAAACTACCCCTAGGAA-3'
Protein context (NP_057062.1, residues 797-817): EMKRSLQYTP[Ile807Val]DKYGYVSDPM

ClinVar aggregate classification (germline): Uncertain significance (1 of 4 stars; one submission).

Allele frequency attached by ClinVar (database versions not stated): gnomAD exomes below 0.00001.
gnomAD v4.1: 2 of 1,611,526 alleles (0.00012%); highest among the groups gnomAD compares: African/African-American, 0.0027%; no homozygotes.

Submission:

Labcorp Genetics (formerly Invitae), Labcorp
Classification: Uncertain significance. Last evaluated: 2025-05-22. Review status: criteria provided, single submitter. Criteria: Invitae Variant Classification Sherloc (09022015). Collection method: clinical testing. Allele origin: germline.
Comment: This sequence change replaces isoleucine, which is neutral and non-polar, with valine, which is neutral and non-polar, at codon 807 of the TNNI3K protein (p.Ile807Val). This variant is not present in population databases (gnomAD no frequency). This variant has not been reported in the literature in individuals affected with TNNI3K-related conditions. ClinVar contains an entry for this variant (Variation ID: 1374559). An algorithm developed to predict the effect of missense changes on protein structure and function outputs the following: PolyPhen-2: "Benign". The valine amino acid residue is found in multiple mammalian species, which suggests that this missense change does not adversely affect protein function. In summary, the available evidence is currently insufficient to determine the role of this variant in disease. Therefore, it has been classified as a Variant of Uncertain Significance.